The following is an entry in ClinVar:

NM_001261826.3(AP3D1):c.2250G>C (p.Glu750Asp)

Gene: AP3D1 (adaptor related protein complex 3 subunit delta 1; minus strand). Cytogenetic location: 19p13.3.
Variant type: single nucleotide variant.
Coding change: c.2250G>C on transcript NM_001261826.3 (MANE Select); coding-DNA position 2250, G replaced by C.
Protein change: p.Glu750Asp; replaces glutamic acid 750 with aspartic acid.
Molecular consequence: missense variant.
Genome position (GRCh38, 1-based): chr19:2,115,318, C>G on the plus strand (G>C on the coding strand, the complement: AP3D1 is on the minus strand). VCF-style: chr19-2115318-C-G. GRCh37 (hg19) VCF-style: chr19-2115317-C-G.
Other names: c.2250G>C, p.Glu750Asp (NM_001374799.1, NM_003938.8); c.2250G>C (NM_003938.5); short protein forms E750D.
Identifiers: ClinVar variation 1948179 (VCV001948179.6), dbSNP rs778795157, ClinGen allele CA9058954.

ClinVar aggregate classification (germline): Uncertain significance. Review status: criteria provided, multiple submitters, no conflicts (2 of 4 stars). 2 submissions from 2 submitters: Uncertain significance (2). Last evaluated 2025-01-24.

Conditions:
Inborn genetic diseases. Identifiers: MedGen C0950123, MeSH D030342.

gnomAD v4.1: 30 of 1,611,624 alleles (0.0019%); highest among the groups gnomAD compares: South Asian, 0.031%; 1 homozygote.

Submissions (2):

Ambry Genetics
Classification: Uncertain significance for Inborn genetic diseases. Last evaluated: 2025-01-24. Review status: criteria provided, single submitter. Criteria: Ambry Variant Classification Scheme 2023. Collection method: clinical testing. Allele origin: germline.

Labcorp Genetics (formerly Invitae), Labcorp
Classification: Uncertain significance. Last evaluated: 2022-08-31. Review status: criteria provided, single submitter. Criteria: Invitae Variant Classification Sherloc (09022015). Collection method: clinical testing. Allele origin: germline.
Comment: This variant has not been reported in the literature in individuals affected with AP3D1-related conditions. Algorithms developed to predict the effect of missense changes on protein structure and function output the following: SIFT: "Tolerated"; PolyPhen-2: "Benign"; Align-GVGD: "Class C0". The aspartic acid amino acid residue is found in multiple mammalian species, which suggests that this missense change does not adversely affect protein function. In summary, the available evidence is currently insufficient to determine the role of this variant in disease. Therefore, it has been classified as a Variant of Uncertain Significance. This sequence change replaces glutamic acid, which is acidic and polar, with aspartic acid, which is acidic and polar, at codon 750 of the AP3D1 protein (p.Glu750Asp). This variant is present in population databases (rs778795157, gnomAD 0.03%).